The following is an entry in ClinVar:

NM_021008.4(DEAF1):c.586C>T (p.Pro196Ser)

Gene: DEAF1 (DEAF1 transcription factor; minus strand). Cytogenetic location: 11p15.5.
Variant type: single nucleotide variant.
Coding change: c.586C>T on transcript NM_021008.4 (MANE Select); coding-DNA position 586, C replaced by T.
Protein change: p.Pro196Ser; replaces proline 196 with serine.
Molecular consequence: missense variant. On other transcripts: 5 prime UTR variant (1).
Genome position (GRCh38, 1-based): chr11:687,989, G>A on the plus strand (C>T on the coding strand, the complement: DEAF1 is on the minus strand). VCF-style: chr11-687989-G-A. GRCh37 (hg19) VCF-style: chr11-687989-G-A.
Other names: c.586C>T, p.Pro196Ser (NM_001293634.2); c.-141C>T (NM_001367390.1); short protein forms P196S.
Identifiers: ClinVar variation 1442796 (VCV001442796.9), dbSNP rs1860671603, ClinGen allele CA378933759.

ClinVar aggregate classification (germline): Uncertain significance. Review status: criteria provided, multiple submitters, no conflicts (2 of 4 stars). 2 submissions from 2 submitters: Uncertain significance (2). Last evaluated 2023-04-12.

Conditions:
Inborn genetic diseases. Identifiers: MedGen C0950123, MeSH D030342.

Submissions (2):

Ambry Genetics
Classification: Uncertain significance for Inborn genetic diseases. Last evaluated: 2023-04-12. Review status: criteria provided, single submitter. Criteria: Ambry Variant Classification Scheme 2023. Collection method: clinical testing. Allele origin: germline.

Labcorp Genetics (formerly Invitae), Labcorp
Classification: Uncertain significance. Last evaluated: 2021-07-21. Review status: criteria provided, single submitter. Criteria: Invitae Variant Classification Sherloc (09022015). Collection method: clinical testing. Allele origin: germline.
Comment: In summary, the available evidence is currently insufficient to determine the role of this variant in disease. Therefore, it has been classified as a Variant of Uncertain Significance. Algorithms developed to predict the effect of missense changes on protein structure and function are either unavailable or do not agree on the potential impact of this missense change (SIFT: "Deleterious"; PolyPhen-2: "Benign"; Align-GVGD: "Class C65"). This variant has not been reported in the literature in individuals affected with DEAF1-related conditions. This variant is not present in population databases (ExAC no frequency). This sequence change replaces proline with serine at codon 196 of the DEAF1 protein (p.Pro196Ser). The proline residue is highly conserved and there is a moderate physicochemical difference between proline and serine.